The following is an entry in ClinVar:

ClinVar aggregate classification (germline): Likely benign. Review status: criteria provided, multiple submitters, no conflicts (2 of 4 stars). 2 submissions from 2 submitters: Likely benign (2). Last evaluated 2025-09-22.

Conditions:
Bardet-Biedl syndrome 3 (BBS3). Identifiers: Orphanet 110, MedGen C1859564, MONDO:0010832, OMIM 600151.
Retinitis pigmentosa 55 (RP55). Identifiers: Orphanet 791, MedGen C3150808, MONDO:0013312, OMIM 613575.
ARL6-related disorder. Also called: ARL6-related condition.

Allele frequency attached by ClinVar (database versions not stated): TOPMed 0.00002.

Submissions (2):

PreventionGenetics, part of Exact Sciences
Classification: Likely benign for ARL6-related condition. Last evaluated: 2025-09-22. Review status: criteria provided, single submitter. Criteria: ACMG Guidelines, 2015. Collection method: clinical testing. Allele origin: germline.
Comment: This variant is classified as likely benign based on ACMG/AMP sequence variant interpretation guidelines (Richards et al. 2015 PMID: 25741868, with internal and published modifications).

Labcorp Genetics (formerly Invitae), Labcorp
Classification: Likely benign for Retinitis pigmentosa 55; Bardet-Biedl syndrome 3. Last evaluated: 2023-10-03. Review status: criteria provided, single submitter. Criteria: Invitae Variant Classification Sherloc (09022015). Collection method: clinical testing. Allele origin: germline.

NM_001278293.3(ARL6):c.349+7G>A

Gene: ARL6 (ARF like GTPase 6; plus strand). Cytogenetic location: 3q11.2.
Variant type: single nucleotide variant.
Coding change: c.349+7G>A on transcript NM_001278293.3 (MANE Select); 7 bases into the intron after coding-DNA position 349, G replaced by A.
Molecular consequence: intron variant.
Genome position (GRCh38, 1-based): chr3:97,785,056, G>A. VCF-style: chr3-97785056-G-A. GRCh37 (hg19) VCF-style: chr3-97503900-G-A.
Other names: c.349+7G>A (NM_032146.5, NM_177976.3, NM_001323513.2 and 1 more transcripts).
Identifiers: ClinVar variation 2936931 (VCV002936931.4), dbSNP rs2037385933, ClinGen allele CA1387044587.